The following is an entry in ClinVar:

NM_000553.6(WRN):c.1324G>A (p.Glu442Lys)

Gene: WRN (WRN RecQ like helicase; plus strand). Cytogenetic location: 8p12.
Variant type: single nucleotide variant.
Coding change: c.1324G>A on transcript NM_000553.6 (MANE Select); coding-DNA position 1324, G replaced by A.
Protein change: p.Glu442Lys; replaces glutamic acid 442 with lysine.
Molecular consequence: missense variant.
Genome position (GRCh38, 1-based): chr8:31,083,753, G>A. VCF-style: chr8-31083753-G-A. GRCh37 (hg19) VCF-style: chr8-30941269-G-A.
Other names: short protein forms E442K.
Identifiers: ClinVar variation 528184 (VCV000528184.3), dbSNP rs147669987, ClinGen allele CA4704310.

ClinVar aggregate classification (germline): Uncertain significance (1 of 4 stars; one submission).

Conditions:
Werner syndrome (WRN). Identifiers: Orphanet 902, MedGen C0043119, MONDO:0010196, OMIM 277700.

Allele frequency attached by ClinVar (database versions not stated): gnomAD exomes below 0.00001 and 0.00002; ExAC 0.00001; gnomAD 0.00001; TOPMed 0.00001; ESP Exome Variant Server 0.00008.
gnomAD v4.1: 26 of 1,606,286 alleles (0.0016%); highest among the groups gnomAD compares: Non-Finnish European, 0.0022%; no homozygotes.

Submission:

Labcorp Genetics (formerly Invitae), Labcorp
Classification: Uncertain significance for Werner syndrome. Last evaluated: 2022-02-10. Review status: criteria provided, single submitter. Criteria: Invitae Variant Classification Sherloc (09022015). Collection method: clinical testing. Allele origin: germline.
Comment: This sequence change replaces glutamic acid, which is acidic and polar, with lysine, which is basic and polar, at codon 442 of the WRN protein (p.Glu442Lys). This variant is present in population databases (rs147669987, gnomAD 0.0009%). This variant has not been reported in the literature in individuals affected with WRN-related conditions. ClinVar contains an entry for this variant (Variation ID: 528184). Algorithms developed to predict the effect of missense changes on protein structure and function are either unavailable or do not agree on the potential impact of this missense change (SIFT: "Not Available"; PolyPhen-2: "Benign"; Align-GVGD: "Not Available"). In summary, the available evidence is currently insufficient to determine the role of this variant in disease. Therefore, it has been classified as a Variant of Uncertain Significance.